The following is an entry in ClinVar:

NM_004434.3(EML1):c.1349G>A (p.Arg450Gln)

Gene: EML1 (EMAP like 1; plus strand). Cytogenetic location: 14q32.2.
Variant type: single nucleotide variant.
Coding change: c.1349G>A on transcript NM_004434.3 (MANE Select); coding-DNA position 1349, G replaced by A.
Protein change: p.Arg450Gln; replaces arginine 450 with glutamine.
Molecular consequence: missense variant.
Genome position (GRCh38, 1-based): chr14:99,911,431, G>A. VCF-style: chr14-99911431-G-A. GRCh37 (hg19) VCF-style: chr14-100377768-G-A.
Other names: c.1406G>A, p.Arg469Gln (NM_001008707.2); c.1310G>A, p.Arg437Gln (NM_001375411.1); c.1349G>A, p.Arg450Gln (NM_001375412.1); short protein forms R450Q, R437Q, R469Q.
Identifiers: ClinVar variation 3088642 (VCV003088642.2), dbSNP rs373198786, ClinGen allele CA7342623.

ClinVar aggregate classification (germline): Uncertain significance. Review status: criteria provided, multiple submitters, no conflicts (2 of 4 stars). 2 submissions from 2 submitters: Uncertain significance (2). Last evaluated 2024-03-01.

Conditions:
Inborn genetic diseases. Identifiers: MedGen C0950123, MeSH D030342.

Allele frequency attached by ClinVar (database versions not stated): gnomAD exomes 0.00001; gnomAD 0.00002; TOPMed 0.00002; ExAC 0.00003; ESP Exome Variant Server 0.00008.
gnomAD v4.1: 21 of 1,591,420 alleles (0.0013%); highest among the groups gnomAD compares: Middle Eastern, 0.017%; no homozygotes.

Submissions (2):

Greenwood Genetic Center Diagnostic Laboratories, Greenwood Genetic Center
Classification: Uncertain significance. Last evaluated: 2024-03-01. Review status: criteria provided, single submitter. Criteria: ACMG Guidelines, 2015. Collection method: clinical testing. Allele origin: germline. Affected: yes.
Comment: PM2

Ambry Genetics
Classification: Uncertain significance for Inborn genetic diseases. Last evaluated: 2023-10-10. Review status: criteria provided, single submitter. Criteria: Ambry Variant Classification Scheme 2023. Collection method: clinical testing. Allele origin: germline.